The following is an entry in ClinVar:

ClinVar aggregate classification (germline): Uncertain significance (1 of 4 stars; one submission).

Conditions:
Inborn genetic diseases. Identifiers: MedGen C0950123, MeSH D030342.

Submission:

Ambry Genetics
Classification: Uncertain significance for Inborn genetic diseases. Last evaluated: 2025-06-20. Review status: criteria provided, single submitter. Criteria: Ambry Variant Classification Scheme 2023. Collection method: clinical testing. Allele origin: germline.
Comment: The p.Y402C variant (also known as c.1205A>G), located in coding exon 7 of the ETV6 gene, results from an A to G substitution at nucleotide position 1205. The tyrosine at codon 402 is replaced by cysteine, an amino acid with highly dissimilar properties. This amino acid position is highly conserved in available vertebrate species. In addition, the in silico prediction for this alteration is inconclusive. Based on the available evidence, the clinical significance of this variant remains unclear.

NM_001987.5(ETV6):c.1205A>G (p.Tyr402Cys)

Gene: ETV6 (ETS variant transcription factor 6; plus strand). Cytogenetic location: 12p13.2.
Variant type: single nucleotide variant.
Coding change: c.1205A>G on transcript NM_001987.5 (MANE Select); coding-DNA position 1205, A replaced by G.
Protein change: p.Tyr402Cys; replaces tyrosine 402 with cysteine.
Molecular consequence: missense variant. On other transcripts: intron variant (1).
Genome position (GRCh38, 1-based): chr12:11,885,978, A>G. VCF-style: chr12-11885978-A-G. GRCh37 (hg19) VCF-style: chr12-12038912-A-G.
Other names: c.1010-4963A>G (NM_001413917.1); c.1202A>G, p.Tyr401Cys (NM_001413913.1); c.1178A>G, p.Tyr393Cys (NM_001413914.1); c.941A>G, p.Tyr314Cys (NM_001413915.1); short protein forms Y393C, Y402C, Y401C, Y314C.
Identifiers: ClinVar variation 4251427 (VCV004251427.1).